The following is an entry in ClinVar:

ClinVar aggregate classification (germline): Uncertain significance (0 of 4 stars; one submission).

Allele frequency attached by ClinVar (database versions not stated): gnomAD exomes 0.00001; TOPMed 0.00001; ExAC 0.00002.

Submission:

Genetic Services Laboratory, University of Chicago
Classification: Uncertain significance. Last evaluated: 2022-09-06. Review status: no assertion criteria provided. Collection method: clinical testing. Allele origin: germline. Affected: no.
Comment: DNA sequence analysis of the PTPRJ gene demonstrated a sequence change, c.3502A>G, in exon 22 that results in an amino acid change, p.Met1168Val. This sequence change does not appear to have been previously described in individuals with PTPRJ-related disorders. This sequence change has been described in the gnomAD database with a frequency of 0.002% (dbSNP rs769221680). The p.Met1168Val change affects a highly conserved amino acid residue located in a domain of the PTPRJ protein that is known to be functional. In-silico pathogenicity prediction tools (SIFT, PolyPhen2, Align GVGD, REVEL) provide contradictory results for the p.Met1168Val substitution. Due to insufficient evidences and the lack of functional studies, the clinical significance of the p.Met1168Val change remains unknown at this time.

NM_002843.4(PTPRJ):c.3502A>G (p.Met1168Val)

Gene: PTPRJ (protein tyrosine phosphatase receptor type J; plus strand). Cytogenetic location: 11p11.2.
Variant type: single nucleotide variant.
Coding change: c.3502A>G on transcript NM_002843.4 (MANE Select); coding-DNA position 3502, A replaced by G.
Protein change: p.Met1168Val; replaces methionine 1168 with valine.
Molecular consequence: missense variant.
Genome position (GRCh38, 1-based): chr11:48,159,993, A>G. VCF-style: chr11-48159993-A-G. GRCh37 (hg19) VCF-style: chr11-48181545-A-G.
Other names: short protein forms M1168V.
Identifiers: ClinVar variation 2443230 (VCV002443230.2), dbSNP rs769221680, ClinGen allele CA5982770.
Genomic context (GRCh38, chr11:48,159,993, plus strand): 5'-AAATGTGAGGAGTATTGGCCCTCCAAGCAGGCTCAGGACTATGGAGACATAACTGTGGCA[A>G]TGACATCAGAAATTGTTCTTCCGGAATGGACCATCAGAGATTTCACAGTGAAAAATGTAA-3'
Protein context (NP_002834.3, residues 1158-1178): AQDYGDITVA[Met1168Val]TSEIVLPEWT